The following is an entry in ClinVar:

NM_001430.5(EPAS1):c.1057G>C (p.Val353Leu)

Gene: EPAS1 (endothelial PAS domain protein 1; plus strand). Cytogenetic location: 2p21.
Variant type: single nucleotide variant.
Coding change: c.1057G>C on transcript NM_001430.5 (MANE Select); coding-DNA position 1057, G replaced by C.
Protein change: p.Val353Leu; replaces valine 353 with leucine.
Molecular consequence: missense variant.
Genome position (GRCh38, 1-based): chr2:46,376,561, G>C. VCF-style: chr2-46376561-G-C. GRCh37 (hg19) VCF-style: chr2-46603700-G-C.
Other names: short protein forms V353L.
Identifiers: ClinVar variation 1778993 (VCV001778993.2), dbSNP rs2103664210, ClinGen allele CA346703080.

ClinVar aggregate classification (germline): Uncertain significance (1 of 4 stars; one submission).

Conditions:
Inborn genetic diseases. Identifiers: MedGen C0950123, MeSH D030342.

Allele frequency attached by ClinVar (database versions not stated): gnomAD exomes below 0.00001.
gnomAD v4.1: 6 of 1,614,120 alleles (0.00037%); highest among the groups gnomAD compares: Non-Finnish European, 0.00051%; no homozygotes.

Submission:

Ambry Genetics
Classification: Uncertain significance for Inborn genetic diseases. Last evaluated: 2022-01-31. Review status: criteria provided, single submitter. Criteria: Ambry Variant Classification Scheme 2023. Collection method: clinical testing. Allele origin: germline.
Comment: The p.V353L variant (also known as c.1057G>C), located in coding exon 9 of the EPAS1 gene, results from a G to C substitution at nucleotide position 1057. The valine at codon 353 is replaced by leucine, an amino acid with highly similar properties. This amino acid position is conserved. In addition, this alteration is predicted to be tolerated by in silico analysis. Since supporting evidence is limited at this time, the clinical significance of this alteration remains unclear.